The following is an entry in ClinVar:

ClinVar aggregate classification (germline): Uncertain significance. Review status: criteria provided, multiple submitters, no conflicts (2 of 4 stars). 2 submissions from 2 submitters: Uncertain significance (2). Last evaluated 2025-05-27.

Conditions:
Inborn genetic diseases. Identifiers: MedGen C0950123, MeSH D030342.

Submissions (2):

Ambry Genetics
Classification: Uncertain significance for Inborn genetic diseases. Last evaluated: 2025-05-27. Review status: criteria provided, single submitter. Criteria: Ambry Variant Classification Scheme 2023. Collection method: clinical testing. Allele origin: germline.
Comment: The p.Q266H variant (also known as c.798G>C), located in coding exon 4 of the FANCM gene, results from a G to C substitution at nucleotide position 798. The glutamine at codon 266 is replaced by histidine, an amino acid with highly similar properties. This amino acid position is conserved. In addition, this alteration is predicted to be tolerated by in silico analysis. Based on the available evidence, the clinical significance of this variant remains unclear.

GeneDx
Classification: Uncertain significance. Last evaluated: 2024-03-08. Review status: criteria provided, single submitter. Criteria: GeneDx Variant Classification Process June 2021. Collection method: clinical testing. Allele origin: germline. Affected: yes.
Comment: Not observed at significant frequency in large population cohorts (gnomAD); In silico analysis supports that this missense variant does not alter protein structure/function; Has not been previously published as pathogenic or benign to our knowledge

NM_020937.4(FANCM):c.798G>C (p.Gln266His)

Gene: FANCM (FA complementation group M; plus strand). Cytogenetic location: 14q21.2.
Variant type: single nucleotide variant.
Coding change: c.798G>C on transcript NM_020937.4 (MANE Select); coding-DNA position 798, G replaced by C.
Protein change: p.Gln266His; replaces glutamine 266 with histidine.
Molecular consequence: missense variant.
Genome position (GRCh38, 1-based): chr14:45,148,875, G>C. VCF-style: chr14-45148875-G-C. GRCh37 (hg19) VCF-style: chr14-45618078-G-C.
Other names: c.720G>C, p.Gln240His (NM_001308133.2); c.798G>C, p.Gln266His (NM_001308134.2); short protein forms Q240H, Q266H.
Identifiers: ClinVar variation 3370788 (VCV003370788.2).